The following is an entry in ClinVar:

ClinVar aggregate classification (germline): Pathogenic (1 of 4 stars; one submission).

Submission:

Labcorp Genetics (formerly Invitae), Labcorp
Classification: Pathogenic. Last evaluated: 2023-06-27. Review status: criteria provided, single submitter. Criteria: Invitae Variant Classification Sherloc (09022015). Collection method: clinical testing. Allele origin: germline.
Comment: For these reasons, this variant has been classified as Pathogenic. This variant has not been reported in the literature in individuals affected with RORB-related conditions. This variant is not present in population databases (gnomAD no frequency). This sequence change creates a premature translational stop signal (p.Trp259*) in the RORB gene. It is expected to result in an absent or disrupted protein product. Loss-of-function variants in RORB are known to be pathogenic (PMID: 27352968).

Literature cited by the submitters: PubMed 27352968.

NM_006914.4(RORB):c.777G>A (p.Trp259Ter)

Gene: RORB (RAR related orphan receptor B; plus strand). Cytogenetic location: 9q21.13.
Variant type: single nucleotide variant.
Coding change: c.777G>A on transcript NM_006914.4 (MANE Select); coding-DNA position 777, G replaced by A.
Protein change: p.Trp259Ter; replaces tryptophan 259 with a stop codon.
Molecular consequence: nonsense.
Genome position (GRCh38, 1-based): chr9:74,662,491, G>A. VCF-style: chr9-74662491-G-A. GRCh37 (hg19) VCF-style: chr9-77277407-G-A.
Other names: c.810G>A, p.Trp270Ter (NM_001365023.1); short protein forms W259*, W270*.
Identifiers: ClinVar variation 2729731 (VCV002729731.3), dbSNP rs2489626107, ClinGen allele CA373770684.